The following is an entry in ClinVar:

NM_206933.4(USH2A):c.14529del (p.Thr4844fs)

Gene: USH2A (usherin; minus strand). Cytogenetic location: 1q41.
Variant type: Deletion.
Coding change: c.14529del on transcript NM_206933.4 (MANE Select); coding-DNA position 14529, one base deleted (G; older notation c.14529delG).
Protein change: p.Thr4844fs; shifts the reading frame from threonine 4844.
Molecular consequence: frameshift variant.
Genome position (GRCh38, 1-based): chr1:215,648,581, C deleted on the plus strand (G on the coding strand, the reverse complement: USH2A is on the minus strand); the first of 2 consecutive C bases (chr1:215,648,581-215,648,582); deleting either gives the same sequence. VCF-style (leftmost placement, unchanged base first): chr1-215648580-TC-T. GRCh37 (hg19) VCF-style: chr1-215821922-TC-T.
Other names: short protein forms T4844fs.
Identifiers: ClinVar variation 966200 (VCV000966200.8), dbSNP rs1656938047, ClinGen allele CA1139656549.

ClinVar aggregate classification (germline): Pathogenic (1 of 4 stars; one submission).

Submission:

Labcorp Genetics (formerly Invitae), Labcorp
Classification: Pathogenic. Last evaluated: 2022-08-16. Review status: criteria provided, single submitter. Criteria: Invitae Variant Classification Sherloc (09022015). Collection method: clinical testing. Allele origin: germline.
Comment: This sequence change creates a premature translational stop signal (p.Thr4844Argfs*40) in the USH2A gene. It is expected to result in an absent or disrupted protein product. Loss-of-function variants in USH2A are known to be pathogenic (PMID: 10729113, 10909849, 20507924, 25649381). This variant is not present in population databases (gnomAD no frequency). This variant has not been reported in the literature in individuals affected with USH2A-related conditions. ClinVar contains an entry for this variant (Variation ID: 966200). For these reasons, this variant has been classified as Pathogenic.

Literature cited by the submitters: PubMed 10729113; PubMed 10909849; PubMed 20507924; PubMed 25649381.